The following is an entry in ClinVar:

ClinVar aggregate classification (germline): Pathogenic (1 of 4 stars; one submission).

Conditions:
Retinitis pigmentosa 12 (RP12). Also called: RP WITH OR WITHOUT PRESERVED PARAARTERIOLE RETINAL PIGMENT EPITHELIUM; RETINITIS PIGMENTOSA WITH OR WITHOUT PARAARTERIOLAR PRESERVATION OF RETINAL PIGMENT EPITHELIUM; RP WITH OR WITHOUT PPRPE. Identifiers: Orphanet 791, MedGen C1838647, MONDO:0010818, OMIM 600105.
Leber congenital amaurosis 8 (LCA8). Identifiers: Orphanet 65, MedGen C3151202, MONDO:0013453, OMIM 613835.

Submission:

Labcorp Genetics (formerly Invitae), Labcorp
Classification: Pathogenic for Leber congenital amaurosis 8; Retinitis pigmentosa 12. Last evaluated: 2023-07-17. Review status: criteria provided, single submitter. Criteria: Invitae Variant Classification Sherloc (09022015). Collection method: clinical testing. Allele origin: germline.
Comment: This sequence change creates a premature translational stop signal (p.Glu863*) in the CRB1 gene. It is expected to result in an absent or disrupted protein product. Loss-of-function variants in CRB1 are known to be pathogenic (PMID: 10508521, 22065545, 23379534, 25412400, 26957898, 28041643, 29391521). This variant is not present in population databases (gnomAD no frequency). This variant has not been reported in the literature in individuals affected with CRB1-related conditions. For these reasons, this variant has been classified as Pathogenic.

Literature cited by the submitters: PubMed 10508521; PubMed 22065545; PubMed 23379534; PubMed 25412400; PubMed 26957898; PubMed 28041643; PubMed 29391521.

NM_201253.3(CRB1):c.2587G>T (p.Glu863Ter)

Gene: CRB1 (crumbs cell polarity complex component 1; plus strand). Cytogenetic location: 1q31.3.
Variant type: single nucleotide variant.
Coding change: c.2587G>T on transcript NM_201253.3 (MANE Select); coding-DNA position 2587, G replaced by T.
Protein change: p.Glu863Ter; replaces glutamic acid 863 with a stop codon.
Molecular consequence: nonsense. On other transcripts: non-coding transcript variant (2), intron variant (1).
Genome position (GRCh38, 1-based): chr1:197,427,912, G>T. VCF-style: chr1-197427912-G-T. GRCh37 (hg19) VCF-style: chr1-197397042-G-T.
Other names: c.2251G>T, p.Glu751Ter (NM_001193640.2); c.2380G>T, p.Glu794Ter (NM_001257965.2); c.2128+5956G>T (NM_001257966.2); short protein forms E794*, E751*, E863*.
Identifiers: ClinVar variation 2949995 (VCV002949995.3), dbSNP rs2125485227, ClinGen allele CA344038408.